The following is an entry in ClinVar:

ClinVar aggregate classification (germline): Likely benign (1 of 4 stars; one submission).

gnomAD v4.1: 57 of 1,614,068 alleles (0.0035%); highest among the groups gnomAD compares: South Asian, 0.011%; no homozygotes.

Submission:

CeGaT Center for Human Genetics Tuebingen
Classification: Likely benign. Last evaluated: 2026-03-01. Review status: criteria provided, single submitter. Criteria: CeGaT Center For Human Genetics Tuebingen Variant Classification Criteria Version 2. Collection method: clinical testing. Allele origin: germline. Affected: yes. Observed: 1 variant allele.
Comment: HERC2: BP4, BP7

NM_004667.6(HERC2):c.10311C>T (p.Ser3437=)

Gene: HERC2 (HECT and RLD domain containing E3 ubiquitin protein ligase 2; minus strand). Cytogenetic location: 15q13.1.
Variant type: single nucleotide variant.
Coding change: c.10311C>T on transcript NM_004667.6 (MANE Select); coding-DNA position 10311, C replaced by T.
Protein change: p.Ser3437=; no amino-acid change (serine 3437 retained).
Molecular consequence: synonymous variant.
Genome position (GRCh38, 1-based): chr15:28,168,509, G>A on the plus strand (C>T on the coding strand, the complement: HERC2 is on the minus strand). VCF-style: chr15-28168509-G-A. GRCh37 (hg19) VCF-style: chr15-28413655-G-A.
Identifiers: ClinVar variation 4821703 (VCV004821703.4).
Genomic context (GRCh38, chr15:28,168,509, plus strand): 5'-GATATCAACAGCCAGCATGCATTCTTCTCCATTCATGGGACTAGCCATCGCAGATGCGTC[G>A]GAAGGGGCCGCCGAGGAGAACGAGGGGCACTCCACCGGGGCGATCATGGCGGCCGGCATC-3'
Protein context (NP_004658.3, residues 3427-3447): ECPSFSSAAP[Ser3437=]DASAMASPMN